The following is an entry in ClinVar:

NC_012920.1(MT-ND1):m.3736G>A

Gene: MT-ND1 (mitochondrially encoded NADH dehydrogenase 1; plus strand).
Variant type: single nucleotide variant.
Genome position: chrM-3736-G-A.
Identifiers: ClinVar variation 692393 (VCV000692393.1), dbSNP rs201513497, ClinGen allele CA337096658.

ClinVar aggregate classification (germline): Benign (1 of 4 stars; one submission).

Conditions:
Leigh syndrome (NULS). Also called: Leigh's necrotizing encephalopathy; Leigh's disease; Leigh Syndrome (mtDNA deletion); Leigh Disease; Subacute necrotizing encephalopathy; Necrotizing encephalopathy infantile subacute of Leigh. Identifiers: Orphanet 506, MedGen C2931891, MONDO:0009723, OMIM 256000.

Submission:

Wong Mito Lab, Molecular and Human Genetics, Baylor College of Medicine
Classification: Benign for Leigh syndrome. Last evaluated: 2019-10-17. Review status: criteria provided, single submitter. Criteria: Modified ACMG Guidelines (Unpublished). Collection method: clinical testing. Allele origin: germline.
Comment: The NC_012920.1:m.3736G>A (YP_003024026.1:p.Val144Ile) variant in MTND1 gene is interpretated to be a Benign variant based on the modified ACMG guidelines (unpublished). This variant meets the following evidence codes: BS1, BS2, BP4

Literature cited by the submitters: PubMed 20643099.